The following is an entry in ClinVar:

NM_198428.3(BBS9):c.-12+7T>C

Gene: BBS9 (Bardet-Biedl syndrome 9; plus strand). Cytogenetic location: 7p14.3.
Variant type: single nucleotide variant.
Coding change: c.-12+7T>C on transcript NM_198428.3 (MANE Select); 7 bases into the intron after 12 bases upstream of the start codon, T replaced by C.
Molecular consequence: intron variant.
Genome position (GRCh38, 1-based): chr7:33,130,048, T>C. VCF-style: chr7-33130048-T-C. GRCh37 (hg19) VCF-style: chr7-33169660-T-C.
Other names: c.-12+496T>C (NM_001348036.1); c.-12+7T>C (NM_001362679.1, NM_001348041.4, NM_001348043.3 and 4 more transcripts); c.-289+7T>C (NM_001348038.3, NM_001348039.3); c.-313+7T>C (NM_001348037.3); c.-24+7T>C (NM_001348042.3); c.-190+7T>C (NM_001348045.3); c.-39+7T>C (NM_001348046.3, NM_001348044.3).
Identifiers: ClinVar variation 360059 (VCV000360059.5), dbSNP rs1468797, ClinGen allele CA10626024.

ClinVar aggregate classification (germline): Benign (1 of 4 stars; one submission).

Conditions:
Bardet-Biedl syndrome 9 (BBS9). Identifiers: Orphanet 110, MedGen C1859567, MONDO:0014437, OMIM 615986.

Allele frequency attached by ClinVar (database versions not stated): 1000 Genomes Project 30x 0.14710; TOPMed 0.14768; 1000 Genomes Project 0.14876; gnomAD 0.15207 and 0.15507; gnomAD exomes 0.29167.
gnomAD v4.1: 23,567 of 152,182 alleles (15%); highest among the groups gnomAD compares: South Asian, 21%; 2,033 homozygotes.

Submission:

Illumina Laboratory Services, Illumina
Classification: Benign for Bardet-Biedl syndrome 9. Last evaluated: 2018-01-13. Review status: criteria provided, single submitter. Criteria: ICSL Variant Classification Criteria 13 December 2019. Collection method: clinical testing. Allele origin: germline.
Comment: This variant was observed in the ICSL laboratory as part of a predisposition screen in an ostensibly healthy population. It had not been previously curated by ICSL or reported in the Human Gene Mutation Database (HGMD: prior to June 1st, 2018), and was therefore a candidate for classification through an automated scoring system. Utilizing variant allele frequency, disease prevalence and penetrance estimates, and inheritance mode, an automated score was calculated to assess if this variant is too frequent to cause the disease. Based on the score and internal cut-off values, a variant classified as benign is not then subjected to further curation. The score for this variant resulted in a classification of benign for this disease.